The following is an entry in ClinVar:

NM_139343.3(BIN1):c.889C>A (p.Pro297Thr)

Gene: BIN1 (bridging integrator 1; minus strand). Cytogenetic location: 2q14.3.
Variant type: single nucleotide variant.
Coding change: c.889C>A on transcript NM_139343.3 (MANE Select); coding-DNA position 889, C replaced by A.
Protein change: p.Pro297Thr; replaces proline 297 with threonine.
Molecular consequence: missense variant.
Genome position (GRCh38, 1-based): chr2:127,059,124, G>T on the plus strand (C>A on the coding strand, the complement: BIN1 is on the minus strand). VCF-style: chr2-127059124-G-T. GRCh37 (hg19) VCF-style: chr2-127816700-G-T.
Other names: c.841C>A, p.Pro281Thr (NM_001320632.2, NM_004305.4, NM_139346.3); c.889C>A, p.Pro297Thr (NM_001320633.2, NM_001320640.2, NM_139344.3 and 1 more transcripts); c.724C>A, p.Pro242Thr (NM_001320634.1); c.796C>A, p.Pro266Thr (NM_001320641.2, NM_139347.3, NM_139348.3 and 3 more transcripts); c.808C>A, p.Pro270Thr (NM_001320642.1); short protein forms P242T, P266T, P270T, P297T, P281T.
Identifiers: ClinVar variation 1375852 (VCV001375852.6), dbSNP rs1160778854, ClinGen allele CA348379847.

ClinVar aggregate classification (germline): Uncertain significance (1 of 4 stars; one submission).

Conditions:
Myopathy, centronuclear, 2 (CNM2). Also called: MYOTUBULAR MYOPATHY, AUTOSOMAL RECESSIVE. Identifiers: Orphanet 169186, MedGen CN031787, MONDO:0009709, OMIM 255200.

Allele frequency attached by ClinVar (database versions not stated): TOPMed below 0.00001; gnomAD 0.00001.

Submission:

Labcorp Genetics (formerly Invitae), Labcorp
Classification: Uncertain significance for Myopathy, centronuclear, 2. Last evaluated: 2021-12-23. Review status: criteria provided, single submitter. Criteria: Invitae Variant Classification Sherloc (09022015). Collection method: clinical testing. Allele origin: germline.
Comment: Algorithms developed to predict the effect of missense changes on protein structure and function are either unavailable or do not agree on the potential impact of this missense change (SIFT: "Deleterious"; PolyPhen-2: "Benign"; Align-GVGD: "Class C0"). This variant has not been reported in the literature in individuals affected with BIN1-related conditions. This variant is present in population databases (no rsID available, gnomAD 0.007%). This sequence change replaces proline, which is neutral and non-polar, with threonine, which is neutral and polar, at codon 297 of the BIN1 protein (p.Pro297Thr). In summary, the available evidence is currently insufficient to determine the role of this variant in disease. Therefore, it has been classified as a Variant of Uncertain Significance.